The following is an entry in ClinVar:

ClinVar aggregate classification (germline): Uncertain significance. Review status: criteria provided, multiple submitters, no conflicts (2 of 4 stars). 2 submissions from 2 submitters: Uncertain significance (2). Last evaluated 2024-07-22.

Allele frequency attached by ClinVar (database versions not stated): ExAC 0.00006; gnomAD 0.00007; TOPMed 0.00011; ESP Exome Variant Server 0.00015; gnomAD exomes 0.00021.
gnomAD v4.1: 311 of 1,612,198 alleles (0.019%); highest among the groups gnomAD compares: Non-Finnish European, 0.025%; no homozygotes.

Submissions (2):

Ambry Genetics
Classification: Uncertain significance. Last evaluated: 2024-07-22. Review status: criteria provided, single submitter. Criteria: Ambry Variant Classification Scheme 2023. Collection method: clinical testing. Allele origin: germline.

Labcorp Genetics (formerly Invitae), Labcorp
Classification: Uncertain significance. Last evaluated: 2022-06-14. Review status: criteria provided, single submitter. Criteria: Invitae Variant Classification Sherloc (09022015). Collection method: clinical testing. Allele origin: germline.
Comment: This sequence change replaces arginine, which is basic and polar, with glutamine, which is neutral and polar, at codon 481 of the NUP160 protein (p.Arg481Gln). This variant is present in population databases (rs141773064, gnomAD 0.01%). This variant has not been reported in the literature in individuals affected with NUP160-related conditions. Algorithms developed to predict the effect of missense changes on protein structure and function are either unavailable or do not agree on the potential impact of this missense change (SIFT: "Not Available"; PolyPhen-2: "Possibly Damaging"; Align-GVGD: "Not Available"). Algorithms developed to predict the effect of sequence changes on RNA splicing suggest that this variant may create or strengthen a splice site. In summary, the available evidence is currently insufficient to determine the role of this variant in disease. Therefore, it has been classified as a Variant of Uncertain Significance.

NM_015231.3(NUP160):c.1340G>A (p.Arg447Gln)

Gene: NUP160 (nucleoporin 160; minus strand). Cytogenetic location: 11p11.2.
Variant type: single nucleotide variant.
Coding change: c.1340G>A on transcript NM_015231.3 (MANE Select); coding-DNA position 1340, G replaced by A.
Protein change: p.Arg447Gln; replaces arginine 447 with glutamine.
Molecular consequence: missense variant. On other transcripts: non-coding transcript variant (1).
Genome position (GRCh38, 1-based): chr11:47,816,019, C>T on the plus strand (G>A on the coding strand, the complement: NUP160 is on the minus strand). VCF-style: chr11-47816019-C-T. GRCh37 (hg19) VCF-style: chr11-47837571-C-T.
Other names: c.1442G>A (NM_015231.1); short protein forms R447Q.
Identifiers: ClinVar variation 2195576 (VCV002195576.3), dbSNP rs141773064, ClinGen allele CA5981303.